The following is an entry in ClinVar:

NM_182961.4(SYNE1):c.17357A>C (p.Gln5786Pro)

Genes: SYNE1 (spectrin repeat containing nuclear envelope protein 1; minus strand), LOC129997480 (ATAC-STARR-seq lymphoblastoid active region 25287; plus strand). Cytogenetic location: 6q25.2.
Variant type: single nucleotide variant.
Coding change: c.17357A>C on transcript NM_182961.4 (MANE Select); coding-DNA position 17357, A replaced by C.
Protein change: p.Gln5786Pro; replaces glutamine 5786 with proline.
Molecular consequence: missense variant.
Genome position (GRCh38, 1-based): chr6:152,302,053, T>G on the plus strand (A>C on the coding strand, the complement: SYNE1 is on the minus strand). VCF-style: chr6-152302053-T-G. GRCh37 (hg19) VCF-style: chr6-152623188-T-G.
Other names: c.17144A>C, p.Gln5715Pro (NM_033071.5); short protein forms Q5715P, Q5786P.
Identifiers: ClinVar variation 4070885 (VCV004070885.1).

ClinVar aggregate classification (germline): Uncertain significance (1 of 4 stars; one submission).

Submission:

GeneDx
Classification: Uncertain significance. Last evaluated: 2025-01-21. Review status: criteria provided, single submitter. Criteria: GeneDx Variant Classification Process June 2021. Collection method: clinical testing. Allele origin: germline. Affected: yes.
Comment: Not observed at significant frequency in large population cohorts (gnomAD); In silico analysis supports that this missense variant has a deleterious effect on protein structure/function; Has not been previously published as pathogenic or benign to our knowledge